The following is an entry in ClinVar:

NM_001105206.3(LAMA4):c.2513T>C (p.Phe838Ser)

Gene: LAMA4 (laminin subunit alpha 4; minus strand). Cytogenetic location: 6q21.
Variant type: single nucleotide variant.
Coding change: c.2513T>C on transcript NM_001105206.3 (MANE Select); coding-DNA position 2513, T replaced by C.
Protein change: p.Phe838Ser; replaces phenylalanine 838 with serine.
Molecular consequence: missense variant.
Genome position (GRCh38, 1-based): chr6:112,142,273, A>G on the plus strand (T>C on the coding strand, the complement: LAMA4 is on the minus strand). VCF-style: chr6-112142273-A-G. GRCh37 (hg19) VCF-style: chr6-112463475-A-G.
Other names: c.2492T>C, p.Phe831Ser (NM_001105207.3, NM_002290.5); short protein forms F838S, F831S.
Identifiers: ClinVar variation 1792091 (VCV001792091.6), dbSNP rs1251459367, ClinGen allele CA365382311.

ClinVar aggregate classification (germline): Uncertain significance. Review status: criteria provided, multiple submitters, no conflicts (2 of 4 stars). 3 submissions from 3 submitters: Uncertain significance (3). Last evaluated 2025-05-25.

Conditions:
Dilated cardiomyopathy 1JJ (CMD1JJ). Identifiers: Orphanet 154, MedGen C3808935, MONDO:0014095, OMIM 615235.
Cardiovascular phenotype. Identifiers: MedGen CN230736.

Allele frequency attached by ClinVar (database versions not stated): TOPMed 0.00002.

Submissions (3):

Ambry Genetics
Classification: Uncertain significance for Cardiovascular phenotype. Last evaluated: 2025-05-25. Review status: criteria provided, single submitter. Criteria: Ambry Variant Classification Scheme 2023. Collection method: clinical testing. Allele origin: germline.

Labcorp Genetics (formerly Invitae), Labcorp
Classification: Uncertain significance for Dilated cardiomyopathy 1JJ. Last evaluated: 2024-07-16. Review status: criteria provided, single submitter. Criteria: Invitae Variant Classification Sherloc (09022015). Collection method: clinical testing. Allele origin: germline.
Comment: This sequence change replaces phenylalanine, which is neutral and non-polar, with serine, which is neutral and polar, at codon 831 of the LAMA4 protein (p.Phe831Ser). This variant is present in population databases (no rsID available, gnomAD 0.0009%). This variant has not been reported in the literature in individuals affected with LAMA4-related conditions. ClinVar contains an entry for this variant (Variation ID: 1792091). An algorithm developed to predict the effect of missense changes on protein structure and function (PolyPhen-2) suggests that this variant is likely to be disruptive. In summary, the available evidence is currently insufficient to determine the role of this variant in disease. Therefore, it has been classified as a Variant of Uncertain Significance.

GeneDx
Classification: Uncertain significance. Last evaluated: 2024-06-04. Review status: criteria provided, single submitter. Criteria: GeneDx Variant Classification Process June 2021. Collection method: clinical testing. Allele origin: germline. Affected: yes.
Comment: Has not been previously published as pathogenic or benign to our knowledge; Not observed at significant frequency in large population cohorts (gnomAD); In silico analysis supports that this missense variant has a deleterious effect on protein structure/function